The following is an entry in ClinVar:

ClinVar aggregate classification (germline): Likely pathogenic. Review status: criteria provided, single submitter (1 of 4 stars). 2 submissions from 2 submitters: Likely pathogenic (1). 1 of the submissions does not count toward it. Last evaluated 2024-06-28.

Conditions:
Wilson disease (WND). Also called: Wilson's disease. Identifiers: Orphanet 905, MedGen C0019202, MONDO:0010200, OMIM 277900. Disease mechanism: loss of function.

Submissions (2):

3billion
Classification: Likely pathogenic for Wilson disease. Last evaluated: 2024-06-28. Review status: criteria provided, single submitter. Criteria: ACMG Guidelines, 2015. Collection method: clinical testing. Allele origin: germline. Affected: yes.
Comment: The variant is not observed in the gnomAD v4.0.0 dataset. Predicted Consequence/Location: The majority of the known disease-causing variants of this gene are variants expected to result in premature termination of the protein. In silico tool predictions suggest damaging effect of the variant on gene or gene product [REVEL: 0.67 (>=0.6, sensitivity 0.68 and specificity 0.92); 3Cnet: 0.80 (>=0.6, sensitivity 0.72 and precision 0.9)]. The same nucleotide change resulting in the same amino acid change has been previously reported to be associated with ATP7B related disorder (PMID: 18483695 /3billion dataset).The variant has been observed in at least two similarly affected unrelated individuals (3billion dataset). A different missense change at the same codon (p.Asn878Thr) has been reported to be associated with ATP7B related disorder (PMID: 35385937). Therefore, this variant is classified as Likely pathogenic according to the recommendation of ACMG/AMP guideline.

Natera, Inc.
Classification: Uncertain significance for Wilson disease. Last evaluated: 2025-04-18. Review status: no assertion criteria provided. Collection method: clinical testing. Allele origin: germline. Not counted in ClinVar's aggregate classification.

Literature cited by the submitters: PubMed 35385937 (cited by 3billion); PubMed 18483695 (cited by 3billion).

NM_000053.4(ATP7B):c.2634T>G (p.Asn878Lys)

Gene: ATP7B (ATPase copper transporting beta; minus strand). Cytogenetic location: 13q14.3.
Variant type: single nucleotide variant.
Coding change: c.2634T>G on transcript NM_000053.4 (MANE Select); coding-DNA position 2634, T replaced by G.
Protein change: p.Asn878Lys; replaces asparagine 878 with lysine.
Molecular consequence: missense variant.
Genome position (GRCh38, 1-based): chr13:51,950,103, A>C on the plus strand (T>G on the coding strand, the complement: ATP7B is on the minus strand). VCF-style: chr13-51950103-A-C. GRCh37 (hg19) VCF-style: chr13-52524239-A-C.
Other names: c.2052T>G, p.Asn684Lys (NM_001406544.1); c.1986T>G, p.Asn662Lys (NM_001406545.1, NM_001406547.1); c.2148T>G, p.Asn716Lys (NM_001406546.1, NM_001005918.3, NM_001406541.1 and 1 more transcripts); c.1344T>G, p.Asn448Lys (NM_001406548.1); c.2301T>G, p.Asn767Lys (NM_001243182.2); c.2400T>G, p.Asn800Lys (NM_001330578.2, NM_001406527.1, NM_001406528.1 and 2 more transcripts); c.2382T>G, p.Asn794Lys (NM_001330579.2, NM_001406531.1, NM_001406532.1 and 1 more transcripts); c.2634T>G, p.Asn878Lys (NM_001406511.1, NM_001406512.1, NM_001406513.1 and 7 more transcripts); and 9 more; short protein forms N448K, N662K, N684K, N716K, N735K, N762K, N767K, N768K.
Identifiers: ClinVar variation 2572561 (VCV002572561.3), dbSNP rs2547671027, ClinGen allele CA388034710.